The following is an entry in ClinVar:

NM_000179.3(MSH6):c.3295A>T (p.Ile1099Phe)

Gene: MSH6 (mutS homolog 6; plus strand). Cytogenetic location: 2p16.3.
Variant type: single nucleotide variant.
Coding change: c.3295A>T on transcript NM_000179.3 (MANE Select); coding-DNA position 3295, A replaced by T.
Protein change: p.Ile1099Phe; replaces isoleucine 1099 with phenylalanine.
Molecular consequence: missense variant. On other transcripts: non-coding transcript variant (5), intron variant (1).
Genome position (GRCh38, 1-based): chr2:47,803,542, A>T. VCF-style: chr2-47803542-A-T. GRCh37 (hg19) VCF-style: chr2-48030681-A-T.
Other names: c.2905A>T, p.Ile969Phe (NM_001281492.2); c.2389A>T, p.Ile797Phe (NM_001281493.2, NM_001281494.2, NM_001406811.1 and 6 more transcripts); c.3391A>T, p.Ile1131Phe (NM_001406795.1, NM_001406802.1); c.3295A>T, p.Ile1099Phe (NM_001406796.1, NM_001406800.1, NM_001406808.1 and 1 more transcripts); c.2998A>T, p.Ile1000Phe (NM_001406797.1, NM_001406801.1, NM_001406805.1 and 10 more transcripts); c.2770A>T, p.Ile924Phe (NM_001406799.1, NM_001406806.1, NM_001406807.1); c.2431A>T, p.Ile811Phe (NM_001406803.1); c.3217A>T, p.Ile1073Phe (NM_001406804.1); and 7 more; short protein forms I1099F, I1101F, I1000F, I1073F, I26F, I414F, I577F, I924F.
Identifiers: ClinVar variation 3875072 (VCV003875072.1).
Genomic context (GRCh38, chr2:47,803,542, plus strand): 5'-ATTCTGTTGCCGGAAGATACCCCCCCCTTCTTAGAGCTTAAAGGATCACGCCATCCTTGC[A>T]TTACGAAGACTTTTTTTGGAGATGATTTTATTCCTAATGACATTCTAATAGGCTGTGAGG-3'
Protein context (NP_000170.1, residues 1089-1109): LELKGSRHPC[Ile1099Phe]TKTFFGDDFI

ClinVar aggregate classification (germline): Uncertain significance (1 of 4 stars; one submission).

Conditions:
Hereditary cancer-predisposing syndrome. Also called: Tumor predisposition; Neoplastic Syndromes, Hereditary; Hereditary Cancer Syndrome; Hereditary neoplastic syndrome. Identifiers: Orphanet 140162, MedGen C0027672, MeSH D009386, MONDO:0015356.

Submission:

Ambry Genetics
Classification: Uncertain significance for Hereditary cancer-predisposing syndrome. Last evaluated: 2025-01-10. Review status: criteria provided, single submitter. Criteria: Ambry Variant Classification Scheme 2023. Collection method: clinical testing. Allele origin: germline.
Comment: The p.I1099F variant (also known as c.3295A>T), located in coding exon 5 of the MSH6 gene, results from an A to T substitution at nucleotide position 3295. The isoleucine at codon 1099 is replaced by phenylalanine, an amino acid with highly similar properties. This amino acid position is conserved. In addition, the in silico prediction for this alteration is inconclusive. Based on the available evidence, the clinical significance of this variant remains unclear.